The following is an entry in ClinVar:

ClinVar aggregate classification (germline): Uncertain significance (1 of 4 stars; one submission).

Conditions:
Hereditary spastic paraplegia 28. Also called: Spastic paraplegia 28, autosomal recessive. Identifiers: Orphanet 101008, MedGen C1836295, MONDO:0012256, OMIM 609340.

gnomAD v4.1: 6 of 1,602,080 alleles (0.00037%); highest among the groups gnomAD compares: Non-Finnish European, 0.00051%; no homozygotes.

Submission:

Labcorp Genetics (formerly Invitae), Labcorp
Classification: Uncertain significance for Hereditary spastic paraplegia 28. Last evaluated: 2022-04-06. Review status: criteria provided, single submitter. Criteria: Invitae Variant Classification Sherloc (09022015). Collection method: clinical testing. Allele origin: germline.
Comment: This sequence change replaces proline, which is neutral and non-polar, with leucine, which is neutral and non-polar, at codon 124 of the DDHD1 protein (p.Pro124Leu). This variant is not present in population databases (gnomAD no frequency). This variant has not been reported in the literature in individuals affected with DDHD1-related conditions. Algorithms developed to predict the effect of missense changes on protein structure and function are either unavailable or do not agree on the potential impact of this missense change (SIFT: "Tolerated"; PolyPhen-2: "Possibly Damaging"; Align-GVGD: "Class C0"). In summary, the available evidence is currently insufficient to determine the role of this variant in disease. Therefore, it has been classified as a Variant of Uncertain Significance.

NM_001160148.2(DDHD1):c.371C>T (p.Pro124Leu)

Gene: DDHD1 (DDHD domain containing 1; minus strand). Cytogenetic location: 14q22.1.
Variant type: single nucleotide variant.
Coding change: c.371C>T on transcript NM_001160148.2 (MANE Select); coding-DNA position 371, C replaced by T.
Protein change: p.Pro124Leu; replaces proline 124 with leucine.
Molecular consequence: missense variant.
Genome position (GRCh38, 1-based): chr14:53,152,728, G>A on the plus strand (C>T on the coding strand, the complement: DDHD1 is on the minus strand). VCF-style: chr14-53152728-G-A. GRCh37 (hg19) VCF-style: chr14-53619446-G-A.
Other names: c.371C>T, p.Pro124Leu (NM_001160147.2, NM_030637.3); short protein forms P124L.
Identifiers: ClinVar variation 2119104 (VCV002119104.4), dbSNP rs2503570806, ClinGen allele CA389780995.